The following is an entry in ClinVar:

ClinVar aggregate classification (germline): Conflicting classifications of pathogenicity. Review status: criteria provided, conflicting classifications (1 of 4 stars). 2 submissions from 2 submitters: Uncertain significance (1); Likely benign (1). Last evaluated 2025-10-29.

Conditions:
Cardiovascular phenotype. Identifiers: MedGen CN230736.
Dilated cardiomyopathy 1HH (CMD1HH). Identifiers: Orphanet 154, MedGen C3151293, MONDO:0013479, OMIM 613881.
Myofibrillar myopathy 6. Identifiers: Orphanet 199340, MedGen C2751831, MONDO:0013061, OMIM 612954.

Submissions (2):

Labcorp Genetics (formerly Invitae), Labcorp
Classification: Uncertain significance for Dilated cardiomyopathy 1HH; Myofibrillar myopathy 6. Last evaluated: 2025-10-29. Review status: criteria provided, single submitter. Criteria: Invitae Variant Classification Sherloc (09022015). Collection method: clinical testing. Allele origin: germline.
Comment: This sequence change replaces proline, which is neutral and non-polar, with leucine, which is neutral and non-polar, at codon 333 of the BAG3 protein (p.Pro333Leu). This variant is not present in population databases (gnomAD no frequency). This variant has not been reported in the literature in individuals affected with BAG3-related conditions. ClinVar contains an entry for this variant (Variation ID: 2587226). Invitae Evidence Modeling of protein sequence and biophysical properties (such as structural, functional, and spatial information, amino acid conservation, physicochemical variation, residue mobility, and thermodynamic stability) indicates that this missense variant is not expected to disrupt BAG3 protein function with a negative predictive value of 80%. In summary, the available evidence is currently insufficient to determine the role of this variant in disease. Therefore, it has been classified as a Variant of Uncertain Significance.

Ambry Genetics
Classification: Likely benign for Cardiovascular phenotype. Last evaluated: 2023-07-07. Review status: criteria provided, single submitter. Criteria: Ambry Variant Classification Scheme 2023. Collection method: clinical testing. Allele origin: germline.

NM_004281.4(BAG3):c.998C>T (p.Pro333Leu)

Gene: BAG3 (BAG cochaperone 3; plus strand). Cytogenetic location: 10q26.11.
Variant type: single nucleotide variant.
Coding change: c.998C>T on transcript NM_004281.4 (MANE Select); coding-DNA position 998, C replaced by T.
Protein change: p.Pro333Leu; replaces proline 333 with leucine.
Molecular consequence: missense variant.
Genome position (GRCh38, 1-based): chr10:119,676,552, C>T. VCF-style: chr10-119676552-C-T. GRCh37 (hg19) VCF-style: chr10-121436064-C-T.
Other names: short protein forms P333L.
Identifiers: ClinVar variation 2587226 (VCV002587226.3), dbSNP rs2494022472, ClinGen allele CA378296429.